The following is an entry in ClinVar:

NM_022489.4(INF2):c.994T>G (p.Cys332Gly)

Gene: INF2 (inverted formin 2; plus strand). Cytogenetic location: 14q32.33.
Variant type: single nucleotide variant.
Coding change: c.994T>G on transcript NM_022489.4 (MANE Select); coding-DNA position 994, T replaced by G.
Protein change: p.Cys332Gly; replaces cysteine 332 with glycine.
Molecular consequence: missense variant.
Genome position (GRCh38, 1-based): chr14:104,707,261, T>G. VCF-style: chr14-104707261-T-G. GRCh37 (hg19) VCF-style: chr14-105173598-T-G.
Other names: c.994T>G, p.Cys332Gly (NM_001031714.4); c.994T>G (NM_022489.3); short protein forms C332G.
Identifiers: ClinVar variation 1525511 (VCV001525511.11), dbSNP rs1399811407, ClinGen allele CA391215628.

ClinVar aggregate classification (germline): Uncertain significance. Review status: criteria provided, multiple submitters, no conflicts (2 of 4 stars). 4 submissions from 4 submitters: Uncertain significance (4). Last evaluated 2024-06-18.

Conditions:
Inborn genetic diseases. Identifiers: MedGen C0950123, MeSH D030342.
Focal segmental glomerulosclerosis 5 (FSGS5). Identifiers: Orphanet 656, MedGen C2750475, MONDO:0013191, OMIM 613237.
Charcot-Marie-Tooth disease dominant intermediate E. Also called: CHARCOT-MARIE-TOOTH NEUROPATHY WITH FOCAL SEGMENTAL GLOMERULONEPHRITIS. Identifiers: Orphanet 93114, MedGen C4302667, MONDO:0013758, OMIM 614455.

Allele frequency attached by ClinVar (database versions not stated): gnomAD exomes below 0.00001; TOPMed 0.00001.
gnomAD v4.1: 5 of 1,609,084 alleles (0.00031%); highest among the groups gnomAD compares: Admixed American, 0.0067%; 1 homozygote.

Submissions (4):

Women's Health and Genetics/Laboratory Corporation of America, LabCorp
Classification: Uncertain significance. Last evaluated: 2024-06-18. Review status: criteria provided, single submitter. Criteria: LabCorp Variant Classification Summary - May 2015. Collection method: clinical testing. Allele origin: germline.
Comment: Variant summary: INF2 c.994T>G (p.Cys332Gly) results in a non-conservative amino acid change located in the Formin, FH3 domain (IPR010472) of the encoded protein sequence. Four of five in-silico tools predict a benign effect of the variant on protein function. The variant allele was found at a frequency of 4.2e-06 in 240658 control chromosomes. The available data on variant occurrences in the general population are insufficient to allow any conclusion about variant significance. To our knowledge, no occurrence of c.994T>G in individuals affected with Charcot-Marie Disease, Dominant Intermediate E and no experimental evidence demonstrating its impact on protein function have been reported. ClinVar contains an entry for this variant (Variation ID: 1525511). Based on the evidence outlined above, the variant was classified as uncertain significance.

Ambry Genetics
Classification: Uncertain significance for Inborn genetic diseases. Last evaluated: 2023-12-07. Review status: criteria provided, single submitter. Criteria: Ambry Variant Classification Scheme 2023. Collection method: clinical testing. Allele origin: germline.

Fulgent Genetics
Classification: Uncertain significance for Focal segmental glomerulosclerosis 5; Charcot-Marie-Tooth disease dominant intermediate E. Last evaluated: 2022-05-16. Review status: criteria provided, single submitter. Criteria: ACMG Guidelines, 2015. Collection method: clinical testing. Allele origin: unknown.

Labcorp Genetics (formerly Invitae), Labcorp
Classification: Uncertain significance for Charcot-Marie-Tooth disease dominant intermediate E; Focal segmental glomerulosclerosis 5. Last evaluated: 2021-05-16. Review status: criteria provided, single submitter. Criteria: Invitae Variant Classification Sherloc (09022015). Collection method: clinical testing. Allele origin: germline.
Comment: This sequence change replaces cysteine with glycine at codon 332 of the INF2 protein (p.Cys332Gly). The cysteine residue is weakly conserved and there is a large physicochemical difference between cysteine and glycine. This variant is not present in population databases (ExAC no frequency). This variant has not been reported in the literature in individuals with INF2-related conditions. Algorithms developed to predict the effect of missense changes on protein structure and function (SIFT, PolyPhen-2, Align-GVGD) all suggest that this variant is likely to be tolerated, but these predictions have not been confirmed by published functional studies and their clinical significance is uncertain. In summary, the available evidence is currently insufficient to determine the role of this variant in disease. Therefore, it has been classified as a Variant of Uncertain Significance.